The following is an entry in ClinVar:

NM_001655.5(ARCN1):c.1307A>G (p.Asn436Ser)

Gene: ARCN1 (archain 1 coat protein complex I subunit delta; plus strand). Cytogenetic location: 11q23.3.
Variant type: single nucleotide variant.
Coding change: c.1307A>G on transcript NM_001655.5 (MANE Select); coding-DNA position 1307, A replaced by G.
Protein change: p.Asn436Ser; replaces asparagine 436 with serine.
Molecular consequence: missense variant.
Genome position (GRCh38, 1-based): chr11:118,597,772, A>G. VCF-style: chr11-118597772-A-G. GRCh37 (hg19) VCF-style: chr11-118468487-A-G.
Other names: c.1043A>G, p.Asn348Ser (NM_001142281.2); c.1370A>G, p.Asn457Ser (NM_001425073.1); c.1304A>G, p.Asn435Ser (NM_001425074.1); c.1250A>G, p.Asn417Ser (NM_001425075.1); c.1238A>G, p.Asn413Ser (NM_001425076.1); c.1142A>G, p.Asn381Ser (NM_001425077.1); c.863A>G, p.Asn288Ser (NM_001425080.1); short protein forms N348S, N435S, N436S, N288S, N381S, N413S, N417S, N457S.
Identifiers: ClinVar variation 2782492 (VCV002782492.3), dbSNP rs1555077436, ClinGen allele CA382817177.
Genomic context (GRCh38, chr11:118,597,772, plus strand): 5'-GTGTCGGCGCGCCTGTTATCGGTGAGATCGATGGGGAGTATCGACATGACAGTCGACGAA[A>G]TACCCTGGAGTGGTGCCTGCCTGTGATTGATGCCAAAAATAAGAGTGGCAGCCTGGAGTT-3'
Protein context (NP_001646.2, residues 426-446): DGEYRHDSRR[Asn436Ser]TLEWCLPVID

ClinVar aggregate classification (germline): Uncertain significance (1 of 4 stars; one submission).

Allele frequency attached by ClinVar (database versions not stated): gnomAD exomes below 0.00001; TOPMed below 0.00001; gnomAD 0.00001.
gnomAD v4.1: 4 of 1,614,106 alleles (0.00025%); highest among the groups gnomAD compares: Admixed American, 0.0017%; no homozygotes.

Submission:

Labcorp Genetics (formerly Invitae), Labcorp
Classification: Uncertain significance. Last evaluated: 2025-01-23. Review status: criteria provided, single submitter. Criteria: Invitae Variant Classification Sherloc (09022015). Collection method: clinical testing. Allele origin: germline.
Comment: This sequence change replaces asparagine, which is neutral and polar, with serine, which is neutral and polar, at codon 436 of the ARCN1 protein (p.Asn436Ser). This variant is present in population databases (no rsID available, gnomAD 0.0009%). This variant has not been reported in the literature in individuals affected with ARCN1-related conditions. ClinVar contains an entry for this variant (Variation ID: 2782492). An algorithm developed to predict the effect of missense changes on protein structure and function outputs the following: PolyPhen-2: "Benign". The serine amino acid residue is found in multiple mammalian species, which suggests that this missense change does not adversely affect protein function. In summary, the available evidence is currently insufficient to determine the role of this variant in disease. Therefore, it has been classified as a Variant of Uncertain Significance.